The following is an entry in ClinVar:

NM_001290043.2(TAP2):c.1371C>T (p.Gly457=)

Gene: TAP2 (transporter 2, ATP binding cassette subfamily B member; minus strand). Cytogenetic location: 6p21.32.
Variant type: single nucleotide variant.
Coding change: c.1371C>T on transcript NM_001290043.2 (MANE Select); coding-DNA position 1371, C replaced by T.
Protein change: p.Gly457=; no amino-acid change (glycine 457 retained).
Molecular consequence: synonymous variant.
Genome position (GRCh38, 1-based): chr6:32,830,708, G>A on the plus strand (C>T on the coding strand, the complement: TAP2 is on the minus strand). VCF-style: chr6-32830708-G-A. GRCh37 (hg19) VCF-style: chr6-32798485-G-A.
Other names: c.1371C>T, p.Gly457= (NM_000544.3, NM_018833.3).
Identifiers: ClinVar variation 1354422 (VCV001354422.6), dbSNP rs1278278715, ClinGen allele CA449748054.

ClinVar aggregate classification (germline): Uncertain significance (1 of 4 stars; one submission).

Conditions:
MHC class I deficiency. Identifiers: Orphanet 34592, MedGen C6024714, MONDO:0011476.

Allele frequency attached by ClinVar (database versions not stated): gnomAD exomes below 0.00001 and 0.00001; TOPMed below 0.00001; gnomAD 0.00001.
gnomAD v4.1: 22 of 1,612,950 alleles (0.0014%); highest among the groups gnomAD compares: Non-Finnish European, 0.0018%; no homozygotes.

Submission:

Labcorp Genetics (formerly Invitae), Labcorp
Classification: Uncertain significance for MHC class I deficiency 1. Last evaluated: 2022-08-22. Review status: criteria provided, single submitter. Criteria: Invitae Variant Classification Sherloc (09022015). Collection method: clinical testing. Allele origin: germline.
Comment: In summary, the available evidence is currently insufficient to determine the role of this variant in disease. Therefore, it has been classified as a Variant of Uncertain Significance. Algorithms developed to predict the effect of sequence changes on RNA splicing suggest that this variant may disrupt the consensus splice site. ClinVar contains an entry for this variant (Variation ID: 1354422). This variant has not been reported in the literature in individuals affected with TAP2-related conditions. This variant is present in population databases (no rsID available, gnomAD 0.0009%). This sequence change affects codon 457 of the TAP2 mRNA. It is a 'silent' change, meaning that it does not change the encoded amino acid sequence of the TAP2 protein.